The following is an entry in ClinVar:

ClinVar aggregate classification (germline): Uncertain significance. Review status: criteria provided, multiple submitters, no conflicts (2 of 4 stars). 2 submissions from 2 submitters: Uncertain significance (2). Last evaluated 2023-09-13.

Conditions:
Endometrial carcinoma. Also called: Endometrial carcinoma, somatic. Identifiers: MedGen C0476089, MONDO:0002447, OMIM 608089, HP:0012114.

Submissions (2):

Baylor Genetics
Classification: Uncertain significance for Endometrial carcinoma. Last evaluated: 2023-09-13. Review status: criteria provided, single submitter. Criteria: ACMG Guidelines, 2015. Collection method: clinical testing. Allele origin: unknown.

GeneDx
Classification: Uncertain significance. Last evaluated: 2022-05-04. Review status: criteria provided, single submitter. Criteria: GeneDx Variant Classification Process June 2021. Collection method: clinical testing. Allele origin: germline. Affected: yes.
Comment: Not observed at significant frequency in large population cohorts (gnomAD); In silico analysis supports that this missense variant has a deleterious effect on protein structure/function; Has not been previously published as pathogenic or benign to our knowledge

NM_000179.3(MSH6):c.407A>C (p.Asp136Ala)

Gene: MSH6 (mutS homolog 6; plus strand). Cytogenetic location: 2p16.3.
Variant type: single nucleotide variant.
Coding change: c.407A>C on transcript NM_000179.3 (MANE Select); coding-DNA position 407, A replaced by C.
Protein change: p.Asp136Ala; replaces aspartic acid 136 with alanine.
Molecular consequence: missense variant. On other transcripts: 5 prime UTR variant (2), intron variant (1).
Genome position (GRCh38, 1-based): chr2:47,791,073, A>C. VCF-style: chr2-47791073-A-C. GRCh37 (hg19) VCF-style: chr2-48018212-A-C.
Other names: c.-330A>C (NM_001281493.2, NM_001406811.1, NM_001406823.1 and 1 more transcripts); c.-496A>C (NM_001281494.2); c.503A>C, p.Asp168Ala (NM_001406795.1, NM_001406802.1); c.407A>C, p.Asp136Ala (NM_001406796.1, NM_001406798.1, NM_001406800.1 and 6 more transcripts); c.110A>C, p.Asp37Ala (NM_001406797.1, NM_001406801.1, NM_001406805.1 and 10 more transcripts); c.329A>C, p.Asp110Ala (NM_001406804.1); c.-522A>C (NM_001406807.1); c.-588A>C (NM_001406814.1); and 2 more; short protein forms D110A, D136A, D168A, D37A, D80A.
Identifiers: ClinVar variation 1723055 (VCV001723055.3), dbSNP rs1668699683, ClinGen allele CA346737104.